The following is an entry in ClinVar:

NM_004174.4(SLC9A3):c.676-2A>G

Gene: SLC9A3 (solute carrier family 9 member A3). Cytogenetic location: 5p15.33.
Variant type: single nucleotide variant.
Coding change: c.676-2A>G on transcript NM_004174.4 (MANE Select); the canonical splice acceptor site of the intron before coding-DNA position 676, A replaced by G.
Molecular consequence: splice acceptor variant.
Genome position (GRCh38, 1-based): chr5:485,233, T>C on the plus strand (A>G on the coding strand, the complement: SLC9A3 is on the minus strand). VCF-style: chr5-485233-T-C. GRCh37 (hg19) VCF-style: chr5-485348-T-C.
Other names: c.676-2A>G (NM_001284351.3).
Identifiers: ClinVar variation 2757909 (VCV002757909.3), dbSNP rs2477597008, ClinGen allele CA359029666.

ClinVar aggregate classification (germline): Likely pathogenic (1 of 4 stars; one submission).

Submission:

Labcorp Genetics (formerly Invitae), Labcorp
Classification: Likely pathogenic. Last evaluated: 2023-09-04. Review status: criteria provided, single submitter. Criteria: Invitae Variant Classification Sherloc (09022015). Collection method: clinical testing. Allele origin: germline.
Comment: In summary, the currently available evidence indicates that the variant is pathogenic, but additional data are needed to prove that conclusively. Therefore, this variant has been classified as Likely Pathogenic. Algorithms developed to predict the effect of sequence changes on RNA splicing suggest that this variant may disrupt the consensus splice site. This variant has not been reported in the literature in individuals affected with SLC9A3-related conditions. This variant is not present in population databases (gnomAD no frequency). This sequence change affects an acceptor splice site in intron 3 of the SLC9A3 gene. It is expected to disrupt RNA splicing. Variants that disrupt the donor or acceptor splice site typically lead to a loss of protein function (PMID: 16199547), and loss-of-function variants in SLC9A3 are known to be pathogenic (PMID: 26358773).

Literature cited by the submitters: PubMed 16199547; PubMed 26358773.